The following is an entry in ClinVar:

NM_175634.3(RUNX1T1):c.740+1G>A

Gene: RUNX1T1 (RUNX1 partner transcriptional co-repressor 1; minus strand). Cytogenetic location: 8q21.3.
Variant type: single nucleotide variant.
Coding change: c.740+1G>A on transcript NM_175634.3 (MANE Select); the canonical splice donor site of the intron after coding-DNA position 740, G replaced by A.
Molecular consequence: splice donor variant.
Genome position (GRCh38, 1-based): chr8:92,005,115, C>T on the plus strand (G>A on the coding strand, the complement: RUNX1T1 is on the minus strand). VCF-style: chr8-92005115-C-T. GRCh37 (hg19) VCF-style: chr8-93017343-C-T.
Other names: c.629+1G>A (NM_175636.2, NM_175635.3); c.680+1G>A (NM_001198633.2); c.824+1G>A (NM_001395209.1); c.740+1G>A (NM_001198628.2, NM_001198631.2, NM_001198626.2 and 3 more transcripts); c.917+1G>A (NM_001198679.3); c.773+1G>A (NM_001198634.2); c.659+1G>A (NM_001198625.2, NM_001198632.2, NM_004349.4).
Identifiers: ClinVar variation 3381401 (VCV003381401.2).

ClinVar aggregate classification (germline): Uncertain significance (1 of 4 stars; one submission).

Submission:

GeneDx
Classification: Uncertain significance. Last evaluated: 2025-05-07. Review status: criteria provided, single submitter. Criteria: GeneDx Variant Classification Process June 2021. Collection method: clinical testing. Allele origin: germline.
Comment: Canonical splice site variant in a gene or region of a gene for which loss of function is not a well-established mechanism of disease; Not observed at significant frequency in large population cohorts (gnomAD); Has not been previously published as pathogenic or benign to our knowledge